The following is an entry in ClinVar:

NM_015378.4(VPS13D):c.6548G>A (p.Ser2183Asn)

Gene: VPS13D (vacuolar protein sorting 13 homolog D; plus strand). Cytogenetic location: 1p36.22.
Variant type: single nucleotide variant.
Coding change: c.6548G>A on transcript NM_015378.4 (MANE Select); coding-DNA position 6548, G replaced by A.
Protein change: p.Ser2183Asn; replaces serine 2183 with asparagine.
Molecular consequence: missense variant.
Genome position (GRCh38, 1-based): chr1:12,308,539, G>A. VCF-style: chr1-12308539-G-A. GRCh37 (hg19) VCF-style: chr1-12368596-G-A.
Other names: c.6548G>A, p.Ser2183Asn (NM_018156.4); short protein forms S2183N.
Identifiers: ClinVar variation 1962093 (VCV001962093.5), dbSNP rs2524170448, ClinGen allele CA338490927.

ClinVar aggregate classification (germline): Uncertain significance (1 of 4 stars; one submission).

Allele frequency attached by ClinVar (database versions not stated): gnomAD exomes below 0.00001.
gnomAD v4.1: 5 of 1,614,086 alleles (0.00031%); highest among the groups gnomAD compares: African/African-American, 0.0027%; no homozygotes.

Submission:

Labcorp Genetics (formerly Invitae), Labcorp
Classification: Uncertain significance. Last evaluated: 2022-09-26. Review status: criteria provided, single submitter. Criteria: Invitae Variant Classification Sherloc (09022015). Collection method: clinical testing. Allele origin: germline.
Comment: This variant is not present in population databases (gnomAD no frequency). This sequence change replaces serine, which is neutral and polar, with asparagine, which is neutral and polar, at codon 2183 of the VPS13D protein (p.Ser2183Asn). This variant has not been reported in the literature in individuals affected with VPS13D-related conditions. Advanced modeling of protein sequence and biophysical properties (such as structural, functional, and spatial information, amino acid conservation, physicochemical variation, residue mobility, and thermodynamic stability) performed at Invitae indicates that this missense variant is not expected to disrupt VPS13D protein function. In summary, the available evidence is currently insufficient to determine the role of this variant in disease. Therefore, it has been classified as a Variant of Uncertain Significance.